The following is an entry in ClinVar:

ClinVar aggregate classification (germline): Uncertain significance (1 of 4 stars; one submission).

Conditions:
Malignant hyperthermia, susceptibility to, 1 (MHS1). Also called: Anesthesia related hyperthermia; Malignant hyperpyrexia; Fulminating hyperpyrexia; Pharmacogenic myopathy; RYR1-Related Malignant Hyperthermia Susceptibility; Malignant hyperthermia suceptibility 1. Identifiers: Orphanet 423, MedGen C2930980, MONDO:0007783, OMIM 145600.

gnomAD v4.1: 1 of 1,612,514 alleles (0.000062%); highest among the groups gnomAD compares: Non-Finnish European, 0.000085%; no homozygotes.

Submission:

All of Us Research Program, National Institutes of Health
Classification: Uncertain significance for Malignant hyperthermia, susceptibility to, 1. Last evaluated: 2024-02-22. Review status: criteria provided, single submitter. Criteria: ACMG Guidelines, 2015. Collection method: clinical testing. Allele origin: germline. Inheritance: Autosomal dominant inheritance. Observed: 1 variant allele, 1 heterozygote.
Comment: This missense variant replaces glutamic acid with lysine at codon 1805 of the RYR1 protein. Computational prediction suggests that this variant may not impact protein structure and function (internally defined REVEL score threshold <= 0.5, PMID: 27666373). To our knowledge, functional studies have not been reported for this variant. This variant has not been reported in individuals affected with RYR1-related disorders in the literature. This variant has not been identified in the general population by the Genome Aggregation Database (gnomAD). The available evidence is insufficient to determine the role of this variant in disease conclusively. Therefore, this variant is classified as a Variant of Uncertain Significance.

This study involves interpretation of variants in research participants for the purpose of population health screening. Participant phenotype was not available at the time of variant classification. Additional details can be found in publication PMID: 35346344, PMCID: PMC8962531

NM_000540.3(RYR1):c.5413G>A (p.Glu1805Lys)

Gene: RYR1 (ryanodine receptor 1; plus strand). Cytogenetic location: 19q13.2.
Variant type: single nucleotide variant.
Coding change: c.5413G>A on transcript NM_000540.3 (MANE Select); coding-DNA position 5413, G replaced by A.
Protein change: p.Glu1805Lys; replaces glutamic acid 1805 with lysine.
Molecular consequence: missense variant.
Genome position (GRCh38, 1-based): chr19:38,486,068, G>A. VCF-style: chr19-38486068-G-A. GRCh37 (hg19) VCF-style: chr19-38976708-G-A.
Other names: c.5413G>A, p.Glu1805Lys (NM_001042723.2); short protein forms E1805K.
Identifiers: ClinVar variation 3387737 (VCV003387737.1).